The following is an entry in ClinVar:

NM_006231.4(POLE):c.1492G>A (p.Gly498Ser)

Gene: POLE (DNA polymerase epsilon, catalytic subunit; minus strand). Cytogenetic location: 12q24.33.
Variant type: single nucleotide variant.
Coding change: c.1492G>A on transcript NM_006231.4 (MANE Select); coding-DNA position 1492, G replaced by A.
Protein change: p.Gly498Ser; replaces glycine 498 with serine.
Molecular consequence: missense variant.
Genome position (GRCh38, 1-based): chr12:132,672,821, C>T on the plus strand (G>A on the coding strand, the complement: POLE is on the minus strand). VCF-style: chr12-132672821-C-T. GRCh37 (hg19) VCF-style: chr12-133249407-C-T.
Other names: c.1492G>A (NM_006231.2); short protein forms G498S.
Identifiers: ClinVar variation 1040538 (VCV001040538.9), dbSNP rs1593071383, ClinGen allele CA387357688.

ClinVar aggregate classification (germline): Uncertain significance. Review status: criteria provided, multiple submitters, no conflicts (2 of 4 stars). 2 submissions from 2 submitters: Uncertain significance (2). Last evaluated 2025-07-09.

Conditions:
Hereditary cancer-predisposing syndrome. Also called: Hereditary Cancer Syndrome; Tumor predisposition; Hereditary neoplastic syndrome; Neoplastic Syndromes, Hereditary. Identifiers: Orphanet 140162, MedGen C0027672, MeSH D009386, MONDO:0015356.

Submissions (2):

Labcorp Genetics (formerly Invitae), Labcorp
Classification: Uncertain significance. Last evaluated: 2025-07-09. Review status: criteria provided, single submitter. Criteria: Invitae Variant Classification Sherloc (09022015). Collection method: clinical testing. Allele origin: germline.
Comment: This sequence change replaces glycine, which is neutral and non-polar, with serine, which is neutral and polar, at codon 498 of the POLE protein (p.Gly498Ser). This variant is not present in population databases (gnomAD no frequency). This variant has not been reported in the literature in individuals affected with POLE-related conditions. ClinVar contains an entry for this variant (Variation ID: 1040538). Invitae Evidence Modeling of protein sequence and biophysical properties (such as structural, functional, and spatial information, amino acid conservation, physicochemical variation, residue mobility, and thermodynamic stability) indicates that this missense variant is expected to disrupt POLE protein function with a positive predictive value of 80%. In summary, the available evidence is currently insufficient to determine the role of this variant in disease. Therefore, it has been classified as a Variant of Uncertain Significance.

Ambry Genetics
Classification: Uncertain significance for Hereditary cancer-predisposing syndrome. Last evaluated: 2024-10-20. Review status: criteria provided, single submitter. Criteria: Ambry Variant Classification Scheme 2023. Collection method: clinical testing. Allele origin: germline.
Comment: The p.G498S variant (also known as c.1492G>A), located in coding exon 15 of the POLE gene, results from a G to A substitution at nucleotide position 1492. The glycine at codon 498 is replaced by serine, an amino acid with similar properties. This amino acid position is conserved. In addition, the in silico prediction for this alteration is inconclusive. Based on the available evidence, the clinical significance of this variant remains unclear.